The following is an entry in ClinVar:

NM_052844.4(DYNC2I2):c.929A>G (p.Glu310Gly)

Genes: DYNC2I2 (dynein 2 intermediate chain 2; minus strand), LOC126860772 (CDK7 strongly-dependent group 2 enhancer GRCh37_chr9:131396972-131398171; plus strand). Cytogenetic location: 9q34.11.
Variant type: single nucleotide variant.
Coding change: c.929A>G on transcript NM_052844.4 (MANE Select); coding-DNA position 929, A replaced by G.
Protein change: p.Glu310Gly; replaces glutamic acid 310 with glycine.
Molecular consequence: missense variant.
Genome position (GRCh38, 1-based): chr9:128,635,144, T>C on the plus strand (A>G on the coding strand, the complement: DYNC2I2 is on the minus strand). VCF-style: chr9-128635144-T-C. GRCh37 (hg19) VCF-style: chr9-131397423-T-C.
Other names: short protein forms E310G.
Identifiers: ClinVar variation 2184285 (VCV002184285.1), dbSNP rs762973949, ClinGen allele CA5266414.

ClinVar aggregate classification (germline): Uncertain significance (1 of 4 stars; one submission).

Conditions:
Short-rib thoracic dysplasia 11 with or without polydactyly (SRTD11). Also called: SHORT-RIB THORACIC DYSPLASIA 11 WITHOUT POLYDACTYLY. Identifiers: Orphanet 474, Orphanet 93271, MedGen C3810200, MONDO:0014287, OMIM 615633.

Allele frequency attached by ClinVar (database versions not stated): ExAC 0.00001; gnomAD exomes 0.00001; TOPMed 0.00002; gnomAD 0.00003.

Submission:

Labcorp Genetics (formerly Invitae), Labcorp
Classification: Uncertain significance for Short-rib thoracic dysplasia 11 with or without polydactyly. Last evaluated: 2022-03-12. Review status: criteria provided, single submitter. Criteria: Invitae Variant Classification Sherloc (09022015). Collection method: clinical testing. Allele origin: germline.
Comment: This sequence change replaces glutamic acid, which is acidic and polar, with glycine, which is neutral and non-polar, at codon 310 of the WDR34 protein (p.Glu310Gly). This variant is present in population databases (rs762973949, gnomAD 0.003%). This variant has not been reported in the literature in individuals affected with WDR34-related conditions. Algorithms developed to predict the effect of missense changes on protein structure and function (SIFT, PolyPhen-2, Align-GVGD) all suggest that this variant is likely to be tolerated. In summary, the available evidence is currently insufficient to determine the role of this variant in disease. Therefore, it has been classified as a Variant of Uncertain Significance.